The following is an entry in ClinVar:

NM_014629.4(ARHGEF10):c.3178G>A (p.Gly1060Arg)

Gene: ARHGEF10 (Rho guanine nucleotide exchange factor 10; plus strand). Cytogenetic location: 8p23.3.
Variant type: single nucleotide variant.
Coding change: c.3178G>A on transcript NM_014629.4 (MANE Select); coding-DNA position 3178, G replaced by A.
Protein change: p.Gly1060Arg; replaces glycine 1060 with arginine.
Molecular consequence: missense variant.
Genome position (GRCh38, 1-based): chr8:1,933,898, G>A. VCF-style: chr8-1933898-G-A. GRCh37 (hg19) VCF-style: chr8-1882064-G-A.
Other names: c.3064G>A, p.Gly1022Arg (NM_001308152.2); c.3178G>A, p.Gly1060Arg (NM_001308153.3); short protein forms G1022R, G1060R, G1084R.
Identifiers: ClinVar variation 2982276 (VCV002982276.3), dbSNP rs948395665, ClinGen allele CA170612527.
Genomic context (GRCh38, chr8:1,933,898, plus strand): 5'-TTAGGCGTCCTACCAGTTAGAAGTCTACTCATGATGGAAGACACGTTGTGGGCGGCTTCC[G>A]GAGGTCAAGTCTTCATCATCAGTGTGGAGACTCATGCTGTAGAGGTAAGTCACTTAGGTG-3'
Protein context (NP_055444.2, residues 1050-1070): MMEDTLWAAS[Gly1060Arg]GQVFIISVET

ClinVar aggregate classification (germline): Uncertain significance (1 of 4 stars; one submission).

Allele frequency attached by ClinVar (database versions not stated): gnomAD exomes below 0.00001; gnomAD 0.00001; TOPMed 0.00001.
gnomAD v4.1: 8 of 1,614,054 alleles (0.0005%); highest among the groups gnomAD compares: African/African-American, 0.0013%; no homozygotes.

Submission:

Labcorp Genetics (formerly Invitae), Labcorp
Classification: Uncertain significance. Last evaluated: 2023-01-07. Review status: criteria provided, single submitter. Criteria: Invitae Variant Classification Sherloc (09022015). Collection method: clinical testing. Allele origin: germline.
Comment: In summary, the available evidence is currently insufficient to determine the role of this variant in disease. Therefore, it has been classified as a Variant of Uncertain Significance. Advanced modeling of protein sequence and biophysical properties (such as structural, functional, and spatial information, amino acid conservation, physicochemical variation, residue mobility, and thermodynamic stability) performed at Invitae indicates that this missense variant is not expected to disrupt ARHGEF10 protein function. This variant has not been reported in the literature in individuals affected with ARHGEF10-related conditions. This variant is present in population databases (no rsID available, gnomAD no frequency). This sequence change replaces glycine, which is neutral and non-polar, with arginine, which is basic and polar, at codon 1060 of the ARHGEF10 protein (p.Gly1060Arg).